The following is an entry in ClinVar:

NM_002474.3(MYH11):c.2412-9C>A

Gene: MYH11 (myosin heavy chain 11; minus strand). Cytogenetic location: 16p13.11.
Variant type: single nucleotide variant.
Coding change: c.2412-9C>A on transcript NM_002474.3 (MANE Select); 9 bases into the intron before coding-DNA position 2412, C replaced by A.
Molecular consequence: intron variant.
Genome position (GRCh38, 1-based): chr16:15,745,246, G>T on the plus strand (C>A on the coding strand, the complement: MYH11 is on the minus strand). VCF-style: chr16-15745246-G-T. GRCh37 (hg19) VCF-style: chr16-15839103-G-T.
Other names: p.?; c.2412-9C>A (NM_022844.3); c.2433-9C>A (NM_001040114.2, NM_001040113.2).
Identifiers: ClinVar variation 36617 (VCV000036617.34), dbSNP rs148682361, ClinGen allele CA214155.

ClinVar aggregate classification (germline): Benign/Likely benign. Review status: criteria provided, multiple submitters, no conflicts (2 of 4 stars). 13 submissions from 13 submitters: Benign (9); Likely benign (1). 3 of the submissions do not count toward it. Last evaluated 2026-02-04.

Conditions:
Connective tissue disorder. Also called: Connective tissue disease. Identifiers: MedGen C0009782, MONDO:0003900.
Familial aortopathy. Identifiers: MedGen CN078214.
Familial thoracic aortic aneurysm and aortic dissection (TAAD). Also called: Thoracic aortic aneurysms and dissections. Identifiers: Orphanet 91387, MedGen C4707243, MONDO:0019625.
Aortic aneurysm, familial thoracic 4 (AAT4). Also called: AORTIC ANEURYSM/AORTIC DISSECTION AND PATENT DUCTUS ARTERIOSUS. Identifiers: MedGen C1851504, MONDO:0007568, OMIM 132900.

Allele frequency attached by ClinVar (database versions not stated): gnomAD 0.01132; TOPMed 0.01361; ESP Exome Variant Server 0.01378; 1000 Genomes Project 30x 0.01577; 1000 Genomes Project 0.01597.
gnomAD v4.1: 3,778 of 1,610,528 alleles (0.23%); highest among the groups gnomAD compares: African/African-American, 4.3%; 71 homozygotes.

Submissions (19):

Labcorp Genetics (formerly Invitae), Labcorp
Classification: Benign for Aortic aneurysm, familial thoracic 4. Last evaluated: 2026-02-04. Review status: criteria provided, single submitter. Criteria: Invitae Variant Classification Sherloc (09022015). Collection method: clinical testing. Allele origin: germline.

Molecular Diagnostic Laboratory for Inherited Cardiovascular Disease, Montreal Heart Institute
Classification: Benign. Last evaluated: 2025-04-09. Review status: criteria provided, single submitter. Criteria: ACMG Guidelines, 2015. Collection method: clinical testing. Allele origin: germline. Affected: no.

ARUP Laboratories, Molecular Genetics and Genomics, ARUP Laboratories
Classification: Benign. Last evaluated: 2024-10-21. Review status: criteria provided, single submitter. Criteria: ARUP Molecular Germline Variant Investigation Process 2024. Collection method: clinical testing. Allele origin: germline.

CHEO Genetics Diagnostic Laboratory, Children's Hospital of Eastern Ontario
Classification: Benign for Familial thoracic aortic aneurysm and aortic dissection. Last evaluated: 2023-03-21. Review status: criteria provided, single submitter. Criteria: ACMG Guidelines, 2015. Collection method: clinical testing. Allele origin: germline.

Color Diagnostics, LLC DBA Color Health
Classification: Benign for Familial thoracic aortic aneurysm and aortic dissection. Last evaluated: 2018-04-02. Review status: criteria provided, single submitter. Criteria: ACMG Guidelines, 2015. Collection method: clinical testing. Allele origin: germline.

Illumina Laboratory Services, Illumina
Classification: Benign for Aortic aneurysm, familial thoracic 4. Last evaluated: 2018-01-12. Review status: criteria provided, single submitter. Criteria: ICSL Variant Classification Criteria 13 December 2019. Collection method: clinical testing. Allele origin: germline.
Comment: This variant was observed in the ICSL laboratory as part of a predisposition screen in an ostensibly healthy population. It had not been previously curated by ICSL or reported in the Human Gene Mutation Database (HGMD: prior to June 1st, 2018), and was therefore a candidate for classification through an automated scoring system. Utilizing variant allele frequency, disease prevalence and penetrance estimates, and inheritance mode, an automated score was calculated to assess if this variant is too frequent to cause the disease. Based on the score and internal cut-off values, a variant classified as benign is not then subjected to further curation. The score for this variant resulted in a classification of benign for this disease.

Center for Human Genetics, Inc
Classification: Likely benign for Connective tissue disorder. Last evaluated: 2016-11-01. Review status: criteria provided, single submitter. Criteria: ACMG Guidelines, 2015. Collection method: clinical testing. Allele origin: germline. Affected: yes.

Mayo Clinic Laboratories, Mayo Clinic
Classification: Benign. Last evaluated: 2015-09-23. Review status: criteria provided, single submitter. Criteria: ACMG Guidelines, 2015. Collection method: clinical testing. Allele origin: germline. Observed: 10 variant alleles.

GeneDx
Classification: Benign. Last evaluated: 2013-04-15. Review status: criteria provided, single submitter. Criteria: GeneDx Variant Classification (06012015). Collection method: clinical testing. Allele origin: germline. Affected: yes.
Comment: This variant is considered likely benign or benign based on one or more of the following criteria: it is a conservative change, it occurs at a poorly conserved position in the protein, it is predicted to be benign by multiple in silico algorithms, and/or has population frequency not consistent with disease.

PreventionGenetics, part of Exact Sciences
Classification: Benign. Review status: criteria provided, single submitter. Criteria: ACMG Guidelines, 2015. Collection method: clinical testing. Allele origin: germline.

Women's Health and Genetics/Laboratory Corporation of America, LabCorp
Classification: Benign for Familial aortopathy. Last evaluated: 2014-09-17. Review status: no assertion criteria provided. Collection method: clinical testing. Allele origin: germline. Not counted in ClinVar's aggregate classification.

Dr. Peter K. Rogan Lab, Western University
No classification provided (evidence only). Condition: Lung cancer. Review status: no classification provided. Collection method: in vitro. Allele origin: not applicable. Functional consequence: retained intron. Not counted in ClinVar's aggregate classification.

Dr. Peter K. Rogan Lab, Western University
No classification provided (evidence only). Condition: Uterine corpus endometrial carcinoma. Review status: no classification provided. Collection method: in vitro. Allele origin: not applicable. Functional consequence: retained intron. Not counted in ClinVar's aggregate classification.

Dr. Peter K. Rogan Lab, Western University
No classification provided (evidence only). Condition: Uterine corpus endometrial carcinoma. Review status: no classification provided. Collection method: in vitro. Allele origin: not applicable. Functional consequence: retained intron. Not counted in ClinVar's aggregate classification.

Dr. Peter K. Rogan Lab, Western University
No classification provided (evidence only). Condition: Cholangiocarcinoma. Review status: no classification provided. Collection method: in vitro. Allele origin: not applicable. Functional consequence: retained intron. Not counted in ClinVar's aggregate classification.

Dr. Peter K. Rogan Lab, Western University
No classification provided (evidence only). Condition: Uterine carcinosarcoma. Review status: no classification provided. Collection method: in vitro. Allele origin: not applicable. Functional consequence: retained intron. Not counted in ClinVar's aggregate classification.

Dr. Peter K. Rogan Lab, Western University
No classification provided (evidence only). Condition: Malignant tumor of esophagus. Review status: no classification provided. Collection method: in vitro. Allele origin: not applicable. Functional consequence: retained intron. Not counted in ClinVar's aggregate classification.

Genome Diagnostics Laboratory, Amsterdam University Medical Center
Classification: Benign. Review status: no assertion criteria provided. Collection method: clinical testing. Allele origin: germline. Affected: yes. Study: VKGL Data-share Consensus. Not counted in ClinVar's aggregate classification.

Joint Genome Diagnostic Labs from Nijmegen and Maastricht, Radboudumc and MUMC+
Classification: Benign. Review status: no assertion criteria provided. Collection method: clinical testing. Allele origin: germline. Affected: yes. Study: VKGL Data-share Consensus. Not counted in ClinVar's aggregate classification.